The following is an entry in ClinVar:

NM_001278512.2(AP3B2):c.2422T>C (p.Trp808Arg)

Genes: AP3B2 (adaptor related protein complex 3 subunit beta 2; minus strand), CPEB1-AS1 (CPEB1 antisense RNA 1; plus strand). Cytogenetic location: 15q25.2.
Variant type: single nucleotide variant.
Coding change: c.2422T>C on transcript NM_001278512.2 (MANE Select); coding-DNA position 2422, T replaced by C.
Protein change: p.Trp808Arg; replaces tryptophan 808 with arginine.
Molecular consequence: missense variant.
Genome position (GRCh38, 1-based): chr15:82,663,815, A>G on the plus strand (T>C on the coding strand, the complement: AP3B2 is on the minus strand). VCF-style: chr15-82663815-A-G. GRCh37 (hg19) VCF-style: chr15-83332567-A-G.
Other names: c.2365T>C (NM_004644.3); c.2269T>C, p.Trp757Arg (NM_001278511.2); c.2365T>C, p.Trp789Arg (NM_004644.5); short protein forms W808R, W757R, W789R.
Identifiers: ClinVar variation 546760 (VCV000546760.49), dbSNP rs202115109, ClinGen allele CA7699923.
Genomic context (GRCh38, chr15:82,663,815, plus strand): 5'-GGCCCTGGCCCATGAGCACACCCTGACTCTGCCCCAAGGCTCTCACTGTTTTCCTGCTCC[A>G]GGAGGCAGGTTCTAACTGCTCCTCCTCGGACTCCGATGTCATCTCGGACTCTGATGAGCT-3'
Protein context (NP_001265441.1, residues 798-818): SEEEQLEPAS[Trp808Arg]SRKTPPSSKS

ClinVar aggregate classification (germline): Uncertain significance. Review status: criteria provided, multiple submitters, no conflicts (2 of 4 stars). 5 submissions from 5 submitters: Uncertain significance (5). Last evaluated 2025-04-02.

Conditions:
Inborn genetic diseases. Identifiers: MedGen C0950123, MeSH D030342.

Allele frequency attached by ClinVar (database versions not stated): ExAC 0.00004; gnomAD exomes 0.00004 and 0.00023; gnomAD 0.00006 and 0.00007; TOPMed 0.00010; ESP Exome Variant Server 0.00016.
gnomAD v4.1: 329 of 1,612,998 alleles (0.02%); highest among the groups gnomAD compares: Non-Finnish European, 0.027%; no homozygotes.

Submissions (5):

GeneDx
Classification: Uncertain significance. Last evaluated: 2025-04-02. Review status: criteria provided, single submitter. Criteria: GeneDx Variant Classification Process June 2021. Collection method: clinical testing. Allele origin: germline. Affected: yes.
Comment: In silico analysis indicates that this missense variant does not alter protein structure/function; Has not been previously published as pathogenic or benign to our knowledge

Labcorp Genetics (formerly Invitae), Labcorp
Classification: Uncertain significance. Last evaluated: 2022-10-21. Review status: criteria provided, single submitter. Criteria: Invitae Variant Classification Sherloc (09022015). Collection method: clinical testing. Allele origin: germline.
Comment: This sequence change replaces tryptophan, which is neutral and slightly polar, with arginine, which is basic and polar, at codon 789 of the AP3B2 protein (p.Trp789Arg). This variant is present in population databases (rs202115109, gnomAD 0.009%). This variant has not been reported in the literature in individuals affected with AP3B2-related conditions. ClinVar contains an entry for this variant (Variation ID: 546760). Algorithms developed to predict the effect of missense changes on protein structure and function are either unavailable or do not agree on the potential impact of this missense change (SIFT: "Tolerated"; PolyPhen-2: "Possibly Damaging"; Align-GVGD: "Class C0"). In summary, the available evidence is currently insufficient to determine the role of this variant in disease. Therefore, it has been classified as a Variant of Uncertain Significance.

Ambry Genetics
Classification: Uncertain significance for Inborn genetic diseases. Last evaluated: 2022-08-02. Review status: criteria provided, single submitter. Criteria: Ambry Variant Classification Scheme 2023. Collection method: clinical testing. Allele origin: germline.

Blueprint Genetics
Classification: Uncertain significance. Last evaluated: 2022-06-17. Review status: criteria provided, single submitter. Criteria: ACMG Guidelines, 2015. Collection method: clinical testing. Allele origin: germline.

CeGaT Center for Human Genetics Tuebingen
Classification: Uncertain significance. Last evaluated: 2018-02-01. Review status: criteria provided, single submitter. Criteria: CeGaT Center For Human Genetics Tuebingen Variant Classification Criteria Version 2. Collection method: clinical testing. Allele origin: germline. Affected: yes. Observed: 1 variant allele.